The following is an entry in ClinVar:

NM_201596.3(CACNB2):c.214-3C>T

Gene: CACNB2 (calcium voltage-gated channel auxiliary subunit beta 2; plus strand). Cytogenetic location: 10p12.31.
Variant type: single nucleotide variant.
Coding change: c.214-3C>T on transcript NM_201596.3 (MANE Select); 3 bases into the intron before coding-DNA position 214, C replaced by T.
Molecular consequence: intron variant.
Genome position (GRCh38, 1-based): chr10:18,401,921, C>T. VCF-style: chr10-18401921-C-T. GRCh37 (hg19) VCF-style: chr10-18690850-C-T.
Other names: c.130-3C>T (NM_201571.4, NM_001167945.2, NM_201572.4); c.214-3C>T (NM_201593.3, NM_201597.3); c.49-3C>T (NM_000724.4, NM_001330060.2); c.52-3C>T (NM_201590.3); c.70-3C>T (NM_201570.3).
Identifiers: ClinVar variation 1746282 (VCV001746282.2), dbSNP rs1387010315, ClinGen allele CA591926040.

ClinVar aggregate classification (germline): Uncertain significance (1 of 4 stars; one submission).

Conditions:
Cardiovascular phenotype. Identifiers: MedGen CN230736.

Allele frequency attached by ClinVar (database versions not stated): gnomAD exomes 0.00001.
gnomAD v4.1: 3 of 1,613,912 alleles (0.00019%); highest among the groups gnomAD compares: Non-Finnish European, 0.00025%; no homozygotes.

Submission:

Ambry Genetics
Classification: Uncertain significance for Cardiovascular phenotype. Last evaluated: 2020-07-27. Review status: criteria provided, single submitter. Criteria: Ambry Variant Classification Scheme 2023. Collection method: clinical testing. Allele origin: germline.
Comment: The c.52-3C>T intronic variant results from a C to T substitution 3 nucleotides upstream from coding exon 2 in the CACNB2 gene. This nucleotide position is well conserved in available vertebrate species. In silico splice site analysis predicts that this alteration will not have any significant effect on splicing. Since supporting evidence is limited at this time, the clinical significance of this alteration remains unclear.